The following is an entry in ClinVar:

ClinVar aggregate classification (germline): Uncertain significance (1 of 4 stars; one submission).

Submission:

GeneDx
Classification: Uncertain significance. Last evaluated: 2020-11-12. Review status: criteria provided, single submitter. Criteria: GeneDx Variant Classification Process June 2021. Collection method: clinical testing. Allele origin: germline. Affected: yes.
Comment: Not observed in large population cohorts (Lek et al., 2016); In silico analysis supports a deleterious effect on splicing; Has not been previously published as pathogenic or benign to our knowledge

NM_016169.4(SUFU):c.438A>G (p.Arg146=)

Gene: SUFU (SUFU negative regulator of hedgehog signaling; plus strand). Cytogenetic location: 10q24.32.
Variant type: single nucleotide variant.
Coding change: c.438A>G on transcript NM_016169.4 (MANE Select); coding-DNA position 438, A replaced by G.
Protein change: p.Arg146=; no amino-acid change (arginine 146 retained).
Molecular consequence: synonymous variant.
Genome position (GRCh38, 1-based): chr10:102,550,090, A>G. VCF-style: chr10-102550090-A-G. GRCh37 (hg19) VCF-style: chr10-104309847-A-G.
Other names: c.438A>G, p.Arg146= (NM_001178133.2).
Identifiers: ClinVar variation 1320931 (VCV001320931.2), dbSNP rs775280499, ClinGen allele CA471286451.